The following is an entry in ClinVar:

NM_001042492.3(NF1):c.1747A>G (p.Lys583Glu)

Gene: NF1 (neurofibromin 1; plus strand). Cytogenetic location: 17q11.2.
Variant type: single nucleotide variant.
Coding change: c.1747A>G on transcript NM_001042492.3 (MANE Select); coding-DNA position 1747, A replaced by G.
Protein change: p.Lys583Glu; replaces lysine 583 with glutamic acid.
Molecular consequence: missense variant.
Genome position (GRCh38, 1-based): chr17:31,223,469, A>G. VCF-style: chr17-31223469-A-G. GRCh37 (hg19) VCF-style: chr17-29550487-A-G.
Other names: c.1747A>G, p.Lys583Glu (NM_000267.4); short protein forms K583E.
Identifiers: ClinVar variation 1779318 (VCV001779318.8), dbSNP rs2144015942, ClinGen allele CA399004096.

ClinVar aggregate classification (germline): Uncertain significance. Review status: criteria provided, multiple submitters, no conflicts (2 of 4 stars). 2 submissions from 2 submitters: Uncertain significance (2). Last evaluated 2024-12-10.

Conditions:
Hereditary cancer-predisposing syndrome. Also called: Tumor predisposition; Neoplastic Syndromes, Hereditary; Hereditary Cancer Syndrome; Hereditary neoplastic syndrome. Identifiers: Orphanet 140162, MedGen C0027672, MeSH D009386, MONDO:0015356.
Cardiovascular phenotype. Identifiers: MedGen CN230736.
Neurofibromatosis, type 1 (NF1). Also called: VON RECKLINGHAUSEN DISEASE; NEUROFIBROMATOSIS, TYPE I, SOMATIC; Peripheral type neurofibromatosis; Neurofibromatosis, type I. Identifiers: Orphanet 636, MedGen C0027831, MONDO:0018975, OMIM 162200. Disease mechanism: loss of function.

Submissions (2):

Ambry Genetics
Classification: Uncertain significance for Cardiovascular phenotype; Hereditary cancer-predisposing syndrome. Last evaluated: 2024-12-10. Review status: criteria provided, single submitter. Criteria: Ambry Variant Classification Scheme 2023. Collection method: clinical testing. Allele origin: germline.
Comment: The p.K583E variant (also known as c.1747A>G), located in coding exon 16 of the NF1 gene, results from an A to G substitution at nucleotide position 1747. The lysine at codon 583 is replaced by glutamic acid, an amino acid with similar properties. This amino acid position is well conserved in available vertebrate species. In addition, this alteration is predicted to be tolerated by in silico analysis. Based on the available evidence, the clinical significance of this variant remains unclear.

Labcorp Genetics (formerly Invitae), Labcorp
Classification: Uncertain significance for Neurofibromatosis, type 1. Last evaluated: 2022-11-01. Review status: criteria provided, single submitter. Criteria: Invitae Variant Classification Sherloc (09022015). Collection method: clinical testing. Allele origin: germline.
Comment: This variant has not been reported in the literature in individuals affected with NF1-related conditions. In summary, the available evidence is currently insufficient to determine the role of this variant in disease. Therefore, it has been classified as a Variant of Uncertain Significance. Advanced modeling of protein sequence and biophysical properties (such as structural, functional, and spatial information, amino acid conservation, physicochemical variation, residue mobility, and thermodynamic stability) performed at Invitae indicates that this missense variant is not expected to disrupt NF1 protein function. This variant is not present in population databases (gnomAD no frequency). This sequence change replaces lysine, which is basic and polar, with glutamic acid, which is acidic and polar, at codon 583 of the NF1 protein (p.Lys583Glu).